The following is an entry in ClinVar:

NM_003239.5(TGFB3):c.1221G>A (p.Lys407=)

Gene: TGFB3 (transforming growth factor beta 3; minus strand). Cytogenetic location: 14q24.3.
Variant type: single nucleotide variant.
Coding change: c.1221G>A on transcript NM_003239.5 (MANE Select); coding-DNA position 1221, G replaced by A.
Protein change: p.Lys407=; no amino-acid change (lysine 407 retained).
Molecular consequence: synonymous variant.
Genome position (GRCh38, 1-based): chr14:75,959,205, C>T on the plus strand (G>A on the coding strand, the complement: TGFB3 is on the minus strand). VCF-style: chr14-75959205-C-T. GRCh37 (hg19) VCF-style: chr14-76425548-C-T.
Other names: c.1221G>A, p.Lys407= (NM_001329939.2).
Identifiers: ClinVar variation 2577388 (VCV002577388.2), dbSNP rs769218542, ClinGen allele CA7280246.

ClinVar aggregate classification (germline): Likely benign. Review status: criteria provided, multiple submitters, no conflicts (2 of 4 stars). 2 submissions from 2 submitters: Likely benign (2). Last evaluated 2025-10-04.

Conditions:
Rienhoff syndrome. Also called: LOEYS-DIETZ SYNDROME 5. Identifiers: MedGen C3810012, MONDO:0014262, OMIM 615582.

Allele frequency attached by ClinVar (database versions not stated): gnomAD exomes below 0.00001; ExAC 0.00001.
gnomAD v4.1: 1 of 1,614,214 alleles (0.000062%); highest among the groups gnomAD compares: Non-Finnish European, 0.000085%; no homozygotes.

Submissions (2):

Labcorp Genetics (formerly Invitae), Labcorp
Classification: Likely benign for Rienhoff syndrome. Last evaluated: 2025-10-04. Review status: criteria provided, single submitter. Criteria: Invitae Variant Classification Sherloc (09022015). Collection method: clinical testing. Allele origin: germline.

Women's Health and Genetics/Laboratory Corporation of America, LabCorp
Classification: Likely benign. Last evaluated: 2023-07-17. Review status: criteria provided, single submitter. Criteria: LabCorp Variant Classification Summary - May 2015. Collection method: clinical testing. Allele origin: germline.
Comment: Variant summary: TGFB3 c.1221G>A alters a conserved nucleotide resulting in a synonymous change. The variant allele was found at a frequency of 4e-06 in 251472 control chromosomes (gnomAD). The available data on variant occurrences in the general population are insufficient to allow any conclusion about variant significance. To our knowledge, no occurrence of c.1221G>A in individuals affected with Loeys-Dietz Syndrome and no experimental evidence demonstrating its impact on protein function have been reported. No submitters have cited clinical-significance assessments for this variant to ClinVar after 2014. Based on the evidence outlined above, the variant was classified as likely benign.